The following is an entry in ClinVar:

NM_001146197.3(LRTM3):c.3286C>A (p.Pro1096Thr)

Gene: LRTM3 (leucine rich repeat transmembrane protein 3; minus strand). Cytogenetic location: 13q33.1.
Variant type: single nucleotide variant.
Coding change: c.3286C>A on transcript NM_001146197.3 (MANE Select); coding-DNA position 3286, C replaced by A.
Protein change: p.Pro1096Thr; replaces proline 1096 with threonine.
Molecular consequence: missense variant.
Genome position (GRCh38, 1-based): chr13:102,747,411, G>T on the plus strand (C>A on the coding strand, the complement: LRTM3 is on the minus strand). VCF-style: chr13-102747411-G-T. GRCh37 (hg19) VCF-style: chr13-103399761-G-T.
Other names: short protein forms P1096T.
Identifiers: ClinVar variation 2643914 (VCV002643914.24), dbSNP rs143261898, ClinGen allele CA7039734.

ClinVar aggregate classification (germline): Benign (1 of 4 stars; one submission).

Allele frequency attached by ClinVar (database versions not stated): 1000 Genomes Project 0.00120; 1000 Genomes Project 30x 0.00172; TOPMed 0.00447; gnomAD 0.00455; ESP Exome Variant Server 0.00592; gnomAD exomes 0.00638; ExAC 0.00668.
gnomAD v4.1: 9,632 of 1,548,558 alleles (0.62%); highest among the groups gnomAD compares: Middle Eastern, 1.7%; 38 homozygotes.

Submission:

CeGaT Center for Human Genetics Tuebingen
Classification: Benign. Last evaluated: 2022-09-01. Review status: criteria provided, single submitter. Criteria: CeGaT Center For Human Genetics Tuebingen Variant Classification Criteria Version 2. Collection method: clinical testing. Allele origin: germline. Affected: yes. Observed: 2 variant alleles.
Comment: LRTM3: BP4, BS1, BS2